The following is an entry in ClinVar:

NM_000059.4(BRCA2):c.3799G>T (p.Asp1267Tyr)

Gene: BRCA2 (BRCA2 DNA repair associated; plus strand). Cytogenetic location: 13q13.1.
Variant type: single nucleotide variant.
Coding change: c.3799G>T on transcript NM_000059.4 (MANE Select); coding-DNA position 3799, G replaced by T.
Protein change: p.Asp1267Tyr; replaces aspartic acid 1267 with tyrosine.
Molecular consequence: missense variant. On other transcripts: non-coding transcript variant (1), intron variant (2).
Genome position (GRCh38, 1-based): chr13:32,338,154, G>T. VCF-style: chr13-32338154-G-T. GRCh37 (hg19) VCF-style: chr13-32912291-G-T.
Other names: c.3799G>T, p.Asp1267Tyr (NM_001406719.1, NM_001406720.1, NM_001432077.1); c.1909+4767G>T (NM_001406721.1); c.425-6404G>T (NM_001406722.1); short protein forms D1267Y.
Identifiers: ClinVar variation 3481993 (VCV003481993.1).

ClinVar aggregate classification (germline): Uncertain significance (1 of 4 stars; one submission).

Conditions:
Hereditary cancer-predisposing syndrome. Also called: Tumor predisposition; Neoplastic Syndromes, Hereditary; Hereditary Cancer Syndrome; Hereditary neoplastic syndrome. Identifiers: Orphanet 140162, MedGen C0027672, MeSH D009386, MONDO:0015356.

Submission:

Ambry Genetics
Classification: Uncertain significance for Hereditary cancer-predisposing syndrome. Last evaluated: 2024-06-26. Review status: criteria provided, single submitter. Criteria: Ambry Variant Classification Scheme 2023. Collection method: clinical testing. Allele origin: germline.
Comment: The p.D1267Y variant (also known as c.3799G>T), located in coding exon 10 of the BRCA2 gene, results from a G to T substitution at nucleotide position 3799. The aspartic acid at codon 1267 is replaced by tyrosine, an amino acid with highly dissimilar properties. This amino acid position is not well conserved in available vertebrate species. In addition, this alteration is predicted to be tolerated by in silico analysis. Based on the available evidence, the clinical significance of this variant remains unclear.